The following is an entry in ClinVar:

ClinVar aggregate classification (germline): Uncertain significance (1 of 4 stars; one submission).

gnomAD v4.1: 7 of 1,614,194 alleles (0.00043%); highest among the groups gnomAD compares: Middle Eastern, 0.033%; no homozygotes.

Submission:

Labcorp Genetics (formerly Invitae), Labcorp
Classification: Uncertain significance. Last evaluated: 2025-02-15. Review status: criteria provided, single submitter. Criteria: Invitae Variant Classification Sherloc (09022015). Collection method: clinical testing. Allele origin: germline.
Comment: This sequence change replaces glycine, which is neutral and non-polar, with serine, which is neutral and polar, at codon 785 of the DIP2C protein (p.Gly785Ser). This variant is present in population databases (no rsID available, gnomAD 0.0009%). This variant has not been reported in the literature in individuals affected with DIP2C-related conditions. An algorithm developed to predict the effect of missense changes on protein structure and function (PolyPhen-2) suggests that this variant is likely to be disruptive. In summary, the available evidence is currently insufficient to determine the role of this variant in disease. Therefore, it has been classified as a Variant of Uncertain Significance.

NM_014974.3(DIP2C):c.2353G>A (p.Gly785Ser)

Genes: DIP2C (DIP2 acetate--CoA ligase C (putative); minus strand), LOC126860806 (MED14-independent group 3 enhancer GRCh37_chr10:409736-410935; plus strand). Cytogenetic location: 10p15.3.
Variant type: single nucleotide variant.
Coding change: c.2353G>A on transcript NM_014974.3 (MANE Select); coding-DNA position 2353, G replaced by A.
Protein change: p.Gly785Ser; replaces glycine 785 with serine.
Molecular consequence: missense variant.
Genome position (GRCh38, 1-based): chr10:364,498, C>T on the plus strand (G>A on the coding strand, the complement: DIP2C is on the minus strand). VCF-style: chr10-364498-C-T. GRCh37 (hg19) VCF-style: chr10-410438-C-T.
Other names: short protein forms G785S.
Identifiers: ClinVar variation 4804485 (VCV004804485.1).